The following is an entry in ClinVar:

ClinVar aggregate classification (germline): Uncertain significance (1 of 4 stars; one submission).

Submission:

Labcorp Genetics (formerly Invitae), Labcorp
Classification: Uncertain significance. Last evaluated: 2025-05-06. Review status: criteria provided, single submitter. Criteria: Invitae Variant Classification Sherloc (09022015). Collection method: clinical testing. Allele origin: germline.
Comment: This sequence change replaces proline, which is neutral and non-polar, with leucine, which is neutral and non-polar, at codon 168 of the CDT1 protein (p.Pro168Leu). This variant is not present in population databases (gnomAD no frequency). This variant has not been reported in the literature in individuals affected with CDT1-related conditions. An algorithm developed to predict the effect of missense changes on protein structure and function (PolyPhen-2) suggests that this variant is likely to be disruptive. In summary, the available evidence is currently insufficient to determine the role of this variant in disease. Therefore, it has been classified as a Variant of Uncertain Significance.

NM_030928.4(CDT1):c.503C>T (p.Pro168Leu)

Gene: CDT1 (chromatin licensing and DNA replication factor 1; plus strand). Cytogenetic location: 16q24.3.
Variant type: single nucleotide variant.
Coding change: c.503C>T on transcript NM_030928.4 (MANE Select); coding-DNA position 503, C replaced by T.
Protein change: p.Pro168Leu; replaces proline 168 with leucine.
Molecular consequence: missense variant.
Genome position (GRCh38, 1-based): chr16:88,805,454, C>T. VCF-style: chr16-88805454-C-T. GRCh37 (hg19) VCF-style: chr16-88871862-C-T.
Other names: short protein forms P168L.
Identifiers: ClinVar variation 4718622 (VCV004718622.1).